The following is an entry in ClinVar:

NM_000257.4(MYH7):c.4524G>C (p.Glu1508Asp)

Genes: MHRT (myosin heavy chain associated RNA transcript; plus strand), MYH7 (myosin heavy chain 7; minus strand). Cytogenetic location: 14q11.2.
Variant type: single nucleotide variant.
Coding change: c.4524G>C on transcript NM_000257.4 (MANE Select); coding-DNA position 4524, G replaced by C.
Protein change: p.Glu1508Asp; replaces glutamic acid 1508 with aspartic acid.
Molecular consequence: missense variant. On other transcripts: non-coding transcript variant (1).
Genome position (GRCh38, 1-based): chr14:23,416,988, C>G on the plus strand (G>C on the coding strand, the complement: MYH7 is on the minus strand). VCF-style: chr14-23416988-C-G. GRCh37 (hg19) VCF-style: chr14-23886197-C-G.
Other names: short protein forms E1508D.
Identifiers: ClinVar variation 1171738 (VCV001171738.3), dbSNP rs1033543834, ClinGen allele CA389038217.

ClinVar aggregate classification (germline): Uncertain significance (1 of 4 stars; one submission).

Conditions:
Cardiomyopathy (CMYO). Also called: Cardiomyopathies. Identifiers: Orphanet 167848, MedGen C0878544, MONDO:0004994, HP:0001638. Inheritance: Various modes of inheritance.

Submission:

Color Diagnostics, LLC DBA Color Health
Classification: Uncertain significance for Cardiomyopathy. Last evaluated: 2024-03-06. Review status: criteria provided, single submitter. Criteria: ACMG Guidelines, 2015. Collection method: clinical testing. Allele origin: germline.
Comment: This missense variant replaces glutamic acid with aspartic acid at codon 1508 of the MYH7 protein. Computational prediction is inconclusive regarding the impact of this variant on protein structure and function (internally defined REVEL score threshold 0.5 < inconclusive < 0.7, PMID: 27666373). To our knowledge, functional studies have not been reported for this variant. This variant has not been reported in individuals affected with cardiovascular disorders in the literature. This variant has not been identified in the general population by the Genome Aggregation Database (gnomAD). The available evidence is insufficient to determine the role of this variant in disease conclusively. Therefore, this variant is classified as a Variant of Uncertain Significance.